The following is an entry in ClinVar:

ClinVar aggregate classification (germline): Uncertain significance. Review status: criteria provided, multiple submitters, no conflicts (2 of 4 stars). 2 submissions from 2 submitters: Uncertain significance (2). Last evaluated 2023-07-17.

Conditions:
Charcot-Marie-Tooth disease dominant intermediate C (CMTDIC). Also called: CHARCOT-MARIE-TOOTH NEUROPATHY, DOMINANT INTERMEDIATE C. Identifiers: Orphanet 100045, MedGen C1842237, MONDO:0012012, OMIM 608323.

Submissions (2):

Labcorp Genetics (formerly Invitae), Labcorp
Classification: Uncertain significance for Charcot-Marie-Tooth disease dominant intermediate C. Last evaluated: 2023-07-17. Review status: criteria provided, single submitter. Criteria: Invitae Variant Classification Sherloc (09022015). Collection method: clinical testing. Allele origin: germline.
Comment: Advanced modeling of protein sequence and biophysical properties (such as structural, functional, and spatial information, amino acid conservation, physicochemical variation, residue mobility, and thermodynamic stability) performed at Invitae indicates that this missense variant is expected to disrupt YARS protein function. In summary, the available evidence is currently insufficient to determine the role of this variant in disease. Therefore, it has been classified as a Variant of Uncertain Significance. ClinVar contains an entry for this variant (Variation ID: 843247). This variant has not been reported in the literature in individuals affected with YARS-related conditions. This variant is not present in population databases (gnomAD no frequency). This sequence change replaces isoleucine, which is neutral and non-polar, with methionine, which is neutral and non-polar, at codon 59 of the YARS protein (p.Ile59Met).

Mayo Clinic Laboratories, Mayo Clinic
Classification: Uncertain significance. Last evaluated: 2020-07-17. Review status: criteria provided, single submitter. Criteria: ACMG Guidelines, 2015. Collection method: clinical testing. Allele origin: germline. Observed: 1 variant allele.

NM_003680.4(YARS1):c.177T>G (p.Ile59Met)

Gene: YARS1 (tyrosyl-tRNA synthetase 1; minus strand). Cytogenetic location: 1p35.1.
Variant type: single nucleotide variant.
Coding change: c.177T>G on transcript NM_003680.4 (MANE Select); coding-DNA position 177, T replaced by G.
Protein change: p.Ile59Met; replaces isoleucine 59 with methionine.
Molecular consequence: missense variant.
Genome position (GRCh38, 1-based): chr1:32,810,938, A>C on the plus strand (T>G on the coding strand, the complement: YARS1 is on the minus strand). VCF-style: chr1-32810938-A-C. GRCh37 (hg19) VCF-style: chr1-33276539-A-C.
Other names: short protein forms I59M.
Identifiers: ClinVar variation 843247 (VCV000843247.13), dbSNP rs1240096439, ClinGen allele CA339687507.